The following is an entry in ClinVar:

NM_000245.4(MET):c.1460C>T (p.Ser487Phe)

Gene: MET (MET proto-oncogene, receptor tyrosine kinase; plus strand). Cytogenetic location: 7q31.2.
Variant type: single nucleotide variant.
Coding change: c.1460C>T on transcript NM_000245.4 (MANE Select); coding-DNA position 1460, C replaced by T.
Protein change: p.Ser487Phe; replaces serine 487 with phenylalanine.
Molecular consequence: missense variant.
Genome position (GRCh38, 1-based): chr7:116,740,017, C>T. VCF-style: chr7-116740017-C-T. GRCh37 (hg19) VCF-style: chr7-116380071-C-T.
Other names: c.1460C>T, p.Ser487Phe (NM_001127500.3, NM_001324401.3); c.170C>T, p.Ser57Phe (NM_001324402.2); short protein forms S487F, S57F.
Identifiers: ClinVar variation 3294356 (VCV003294356.1).

ClinVar aggregate classification (germline): Uncertain significance (1 of 4 stars; one submission).

Conditions:
Hereditary cancer-predisposing syndrome. Also called: Tumor predisposition; Hereditary Cancer Syndrome; Hereditary neoplastic syndrome; Neoplastic Syndromes, Hereditary. Identifiers: Orphanet 140162, MedGen C0027672, MeSH D009386, MONDO:0015356.

Submission:

Ambry Genetics
Classification: Uncertain significance for Hereditary cancer-predisposing syndrome. Last evaluated: 2024-05-08. Review status: criteria provided, single submitter. Criteria: Ambry Variant Classification Scheme 2023. Collection method: clinical testing. Allele origin: germline.
Comment: The p.S487F variant (also known as c.1460C>T), located in coding exon 3 of the MET gene, results from a C to T substitution at nucleotide position 1460. The serine at codon 487 is replaced by phenylalanine, an amino acid with highly dissimilar properties. This amino acid position is conserved. In addition, the in silico prediction for this alteration is inconclusive. Based on the available evidence, the clinical significance of this variant remains unclear.